The following is an entry in ClinVar:

ClinVar aggregate classification (germline): Uncertain significance (1 of 4 stars; one submission).

Conditions:
Brugada syndrome 8 (BRGDA8). Identifiers: Orphanet 130, MedGen C2751083, MONDO:0013148, OMIM 613123.

gnomAD v4.1: 2 of 1,613,958 alleles (0.00012%); highest among the groups gnomAD compares: Non-Finnish European, 0.00017%; no homozygotes.

Submission:

Labcorp Genetics (formerly Invitae), Labcorp
Classification: Uncertain significance for Brugada syndrome 8. Last evaluated: 2025-03-07. Review status: criteria provided, single submitter. Criteria: Invitae Variant Classification Sherloc (09022015). Collection method: clinical testing. Allele origin: germline.
Comment: This sequence change replaces asparagine, which is neutral and polar, with isoleucine, which is neutral and non-polar, at codon 690 of the HCN4 protein (p.Asn690Ile). This variant is not present in population databases (gnomAD no frequency). This variant has not been reported in the literature in individuals affected with HCN4-related conditions. ClinVar contains an entry for this variant (Variation ID: 2905210). Invitae Evidence Modeling of protein sequence and biophysical properties (such as structural, functional, and spatial information, amino acid conservation, physicochemical variation, residue mobility, and thermodynamic stability) indicates that this missense variant is expected to disrupt HCN4 protein function with a positive predictive value of 95%. In summary, the available evidence is currently insufficient to determine the role of this variant in disease. Therefore, it has been classified as a Variant of Uncertain Significance.

NM_005477.3(HCN4):c.2069A>T (p.Asn690Ile)

Gene: HCN4 (hyperpolarization activated cyclic nucleotide gated potassium channel 4; minus strand). Cytogenetic location: 15q24.1.
Variant type: single nucleotide variant.
Coding change: c.2069A>T on transcript NM_005477.3 (MANE Select); coding-DNA position 2069, A replaced by T.
Protein change: p.Asn690Ile; replaces asparagine 690 with isoleucine.
Molecular consequence: missense variant.
Genome position (GRCh38, 1-based): chr15:73,324,163, T>A on the plus strand (A>T on the coding strand, the complement: HCN4 is on the minus strand). VCF-style: chr15-73324163-T-A. GRCh37 (hg19) VCF-style: chr15-73616504-T-A.
Other names: short protein forms N690I.
Identifiers: ClinVar variation 2905210 (VCV002905210.3), dbSNP rs776033369, ClinGen allele CA393090106.